The following is an entry in ClinVar:

ClinVar aggregate classification (germline): Uncertain significance. Review status: criteria provided, multiple submitters, no conflicts (2 of 4 stars). 3 submissions from 3 submitters: Uncertain significance (2). 1 of the submissions does not count toward it. Last evaluated 2025-12-02.

Conditions:
MKS1-related disorder. Also called: MKS1-related condition; MKS1-related disorders. Identifiers: MedGen CN239382.
Bardet-Biedl syndrome 13 (BBS13). Identifiers: Orphanet 110, MedGen C2673873, MONDO:0014441, OMIM 615990.
Meckel syndrome, type 1 (MKS1). Also called: MECKEL-GRUBER SYNDROME, TYPE 1. Identifiers: Orphanet 564, MedGen C3714506, MONDO:0009571, OMIM 249000.
Joubert syndrome 28 (JBTS28). Identifiers: MedGen C4310705, MONDO:0014928, OMIM 617121.
Inborn genetic diseases. Identifiers: MedGen C0950123, MeSH D030342.

gnomAD v4.1: 9 of 1,613,864 alleles (0.00056%); highest among the groups gnomAD compares: South Asian, 0.0011%; no homozygotes.

Submissions (3):

Ambry Genetics
Classification: Uncertain significance for Inborn genetic diseases. Last evaluated: 2025-12-02. Review status: criteria provided, single submitter. Criteria: Ambry Variant Classification Scheme 2023. Collection method: clinical testing. Allele origin: germline.

Fulgent Genetics
Classification: Uncertain significance for Meckel syndrome, type 1; Bardet-Biedl syndrome 13; Joubert syndrome 28. Last evaluated: 2024-05-22. Review status: criteria provided, single submitter. Criteria: ACMG Guidelines, 2015. Collection method: clinical testing. Allele origin: germline.

PreventionGenetics, part of Exact Sciences
Classification: Uncertain significance for MKS1-related condition. Last evaluated: 2024-08-06. Review status: no assertion criteria provided. Collection method: clinical testing. Allele origin: germline. Not counted in ClinVar's aggregate classification.
Comment: The MKS1 c.758C>T variant is predicted to result in the amino acid substitution p.Thr253Met. To our knowledge, this variant has not been reported in the literature. This variant is reported in 0.00088% of alleles in individuals of European (Non-Finnish) descent in gnomAD. At this time, the clinical significance of this variant is uncertain due to the absence of conclusive functional and genetic evidence.

NM_017777.4(MKS1):c.758C>T (p.Thr253Met)

Gene: MKS1 (MKS transition zone complex subunit 1; minus strand). Cytogenetic location: 17q22.
Variant type: single nucleotide variant.
Coding change: c.758C>T on transcript NM_017777.4 (MANE Select); coding-DNA position 758, C replaced by T.
Protein change: p.Thr253Met; replaces threonine 253 with methionine.
Molecular consequence: missense variant.
Genome position (GRCh38, 1-based): chr17:58,213,082, G>A on the plus strand (C>T on the coding strand, the complement: MKS1 is on the minus strand). VCF-style: chr17-58213082-G-A. GRCh37 (hg19) VCF-style: chr17-56290443-G-A.
Other names: c.149C>T, p.Thr50Met (NM_001321268.2); c.758C>T, p.Thr253Met (NM_001321269.2, NM_001330397.2, NM_001411113.1); short protein forms T253M, T50M.
Identifiers: ClinVar variation 3344074 (VCV003344074.3).